The following is an entry in ClinVar:

NM_000747.3(CHRNB1):c.1217+10C>G

Gene: CHRNB1 (cholinergic receptor nicotinic beta 1 subunit; plus strand). Cytogenetic location: 17p13.1.
Variant type: single nucleotide variant.
Coding change: c.1217+10C>G on transcript NM_000747.3 (MANE Select); 10 bases into the intron after coding-DNA position 1217, C replaced by G.
Molecular consequence: intron variant.
Genome position (GRCh38, 1-based): chr17:7,455,466, C>G. VCF-style: chr17-7455466-C-G. GRCh37 (hg19) VCF-style: chr17-7358785-C-G.
Identifiers: ClinVar variation 770036 (VCV000770036.13), dbSNP rs190598236, ClinGen allele CA8347999.
Genomic context (GRCh38, chr17:7,455,466, plus strand): 5'-ATATTTCATCCGGAAGCCGCCAAGTGATTTTCTCTTCCCCAAACCCAATAGGTAGGACTA[C>G]GCCCGTTACCCACATAAGAGGGAGAGGGAGAACTACAGTTCCCAGAAGAGTGTGCGGAAG-3'

ClinVar aggregate classification (germline): Benign. Review status: criteria provided, single submitter (1 of 4 stars). 2 submissions from 2 submitters: Benign (1). 1 of the submissions does not count toward it. Last evaluated 2025-07-03.

Conditions:
CHRNB1-related disorder. Also called: CHRNB1-related condition.
Congenital myasthenic syndrome 2A. Also called: Myasthenic syndrome, congenital, 2a, slow-channel. Identifiers: Orphanet 590, MedGen C4225374, MONDO:0014581, OMIM 616313.

Allele frequency attached by ClinVar (database versions not stated): gnomAD 0.00010; TOPMed 0.00035; 1000 Genomes Project 0.00060; 1000 Genomes Project 30x 0.00047.
gnomAD v4.1: 197 of 1,613,882 alleles (0.012%); highest among the groups gnomAD compares: East Asian, 0.4%; no homozygotes.

Submissions (2):

Labcorp Genetics (formerly Invitae), Labcorp
Classification: Benign for Congenital myasthenic syndrome 2A. Last evaluated: 2025-07-03. Review status: criteria provided, single submitter. Criteria: Invitae Variant Classification Sherloc (09022015). Collection method: clinical testing. Allele origin: germline.

PreventionGenetics, part of Exact Sciences
Classification: Likely benign for CHRNB1-related condition. Last evaluated: 2019-04-16. Review status: no assertion criteria provided. Collection method: clinical testing. Allele origin: germline. Not counted in ClinVar's aggregate classification.
Comment: This variant is classified as likely benign based on ACMG/AMP sequence variant interpretation guidelines (Richards et al. 2015 PMID: 25741868, with internal and published modifications).